The following is an entry in ClinVar:

NM_000038.6(APC):c.268A>G (p.Lys90Glu)

Gene: APC (APC regulator of Wnt signaling pathway; plus strand). Cytogenetic location: 5q22.2.
Variant type: single nucleotide variant.
Coding change: c.268A>G on transcript NM_000038.6 (MANE Select); coding-DNA position 268, A replaced by G.
Protein change: p.Lys90Glu; replaces lysine 90 with glutamic acid.
Molecular consequence: missense variant. On other transcripts: 5 prime UTR variant (1).
Genome position (GRCh38, 1-based): chr5:112,767,236, A>G. VCF-style: chr5-112767236-A-G. GRCh37 (hg19) VCF-style: chr5-112102933-A-G.
Other names: c.268A>G, p.Lys90Glu (NM_001127510.3, NM_001354895.2, NM_001354896.2 and 2 more transcripts); c.298A>G, p.Lys100Glu (NM_001127511.3, NM_001354897.2, NM_001354902.2); c.193A>G, p.Lys65Glu (NM_001354898.2, NM_001354904.2); c.91A>G, p.Lys31Glu (NM_001354900.2, NM_001354901.2, NM_001354905.2); c.-768A>G (NM_001354906.2); short protein forms K100E, K90E, K31E, K65E.
Identifiers: ClinVar variation 217952 (VCV000217952.35), dbSNP rs763184444, ClinGen allele CA033035.

ClinVar aggregate classification (germline): Uncertain significance. Review status: criteria provided, multiple submitters, no conflicts (2 of 4 stars). 8 submissions from 8 submitters: Uncertain significance (7). 1 of the submissions does not count toward it. Last evaluated 2025-12-10.

Conditions:
Classic or attenuated familial adenomatous polyposis. Identifiers: MedGen CN372698, MONDO:0021057.
Hereditary cancer-predisposing syndrome. Also called: Hereditary Cancer Syndrome; Hereditary neoplastic syndrome; Neoplastic Syndromes, Hereditary; Tumor predisposition. Identifiers: Orphanet 140162, MedGen C0027672, MeSH D009386, MONDO:0015356.
Familial adenomatous polyposis 1 (FAP1). Also called: FAMILIAL ADENOMATOUS POLYPOSIS 1, ATTENUATED; POLYPOSIS, ADENOMATOUS INTESTINAL. Identifiers: MedGen C2713442, MONDO:0021056, OMIM 175100. Disease mechanism: loss of function.

Allele frequency attached by ClinVar (database versions not stated): TOPMed below 0.00001; ExAC 0.00001; gnomAD 0.00001; gnomAD exomes 0.00001.
gnomAD v4.1: 31 of 1,614,096 alleles (0.0019%); highest among the groups gnomAD compares: Non-Finnish European, 0.0025%; no homozygotes.

Submissions (8):

Labcorp Genetics (formerly Invitae), Labcorp
Classification: Uncertain significance for Familial adenomatous polyposis 1. Last evaluated: 2025-12-10. Review status: criteria provided, single submitter. Criteria: Invitae Variant Classification Sherloc (09022015). Collection method: clinical testing. Allele origin: germline.
Comment: This sequence change replaces lysine, which is basic and polar, with glutamic acid, which is acidic and polar, at codon 90 of the APC protein (p.Lys90Glu). This variant is present in population databases (rs763184444, gnomAD 0.003%). This missense change has been observed in individual(s) with colorectal cancer (PMID: 34250417). ClinVar contains an entry for this variant (Variation ID: 217952). Invitae Evidence Modeling of protein sequence and biophysical properties (such as structural, functional, and spatial information, amino acid conservation, physicochemical variation, residue mobility, and thermodynamic stability) indicates that this missense variant is not expected to disrupt APC protein function with a negative predictive value of 95%. In summary, the available evidence is currently insufficient to determine the role of this variant in disease. Therefore, it has been classified as a Variant of Uncertain Significance.

Women's Health and Genetics/Laboratory Corporation of America, LabCorp
Classification: Uncertain significance. Last evaluated: 2024-12-26. Review status: criteria provided, single submitter. Criteria: LabCorp Variant Classification Summary - May 2015. Collection method: clinical testing. Allele origin: germline.
Comment: Variant summary: APC c.268A>G (p.Lys90Glu) results in a conservative amino acid change in the encoded protein sequence. Three of five in-silico tools predict a damaging effect of the variant on protein function. The variant allele was found at a frequency of 1.2e-05 in 251474 control chromosomes. The available data on variant occurrences in the general population are insufficient to allow any conclusion about variant significance. c.268A>G has been reported in the literature in at least one individual affected with colorectal cancer (Pearlman_2021). These report(s) do not provide unequivocal conclusions about association of the variant with Familial Adenomatous Polyposis. To our knowledge, no experimental evidence demonstrating an impact on protein function has been reported. The following publication has been ascertained in the context of this evaluation (PMID: 34250417). ClinVar contains an entry for this variant (Variation ID: 217952). Based on the evidence outlined above, the variant was classified as uncertain significance.

Ambry Genetics
Classification: Uncertain significance for Hereditary cancer-predisposing syndrome. Last evaluated: 2024-05-29. Review status: criteria provided, single submitter. Criteria: Ambry Variant Classification Scheme 2023. Collection method: clinical testing. Allele origin: germline.
Comment: The p.K90E variant (also known as c.268A>G), located in coding exon 3 of the APC gene, results from an A to G substitution at nucleotide position 268. The lysine at codon 90 is replaced by glutamic acid, an amino acid with similar properties. This amino acid position is highly conserved in available vertebrate species. In addition, in silico predictors for this gene do not accurately predict pathogenicity. Missense alterations in APC are not a common cause of disease (Spier I et al. Genet Med. 2024 Feb;26(2):100992). Based on the available evidence, the clinical significance of this variant remains unclear.

All of Us Research Program, National Institutes of Health
Classification: Uncertain significance for Classic or attenuated familial adenomatous polyposis. Last evaluated: 2023-11-02. Review status: criteria provided, single submitter. Criteria: ACMG Guidelines, 2015. Collection method: clinical testing. Allele origin: germline. Inheritance: Autosomal dominant inheritance. Observed: 6 variant alleles, 6 heterozygotes.
Comment: This missense variant replaces lysine with glutamic acid at codon 90 of the APC protein. Computational prediction suggests that this variant may not impact protein structure and function (internally defined REVEL score threshold <= 0.5, PMID: 27666373). To our knowledge, functional studies have not been reported for this variant. This variant has not been reported in individuals affected with APC-related disorders in the literature. This variant has been identified in 3/251474 chromosomes in the general population by the Genome Aggregation Database (gnomAD). The available evidence is insufficient to determine the role of this variant in disease conclusively. Therefore, this variant is classified as a Variant of Uncertain Significance.

This study involves interpretation of variants in research participants for the purpose of population health screening. Participant phenotype was not available at the time of variant classification. Additional details can be found in publication PMID: 35346344, PMCID: PMC8962531

Color Diagnostics, LLC DBA Color Health
Classification: Uncertain significance for Hereditary cancer-predisposing syndrome. Last evaluated: 2023-10-09. Review status: criteria provided, single submitter. Criteria: ACMG Guidelines, 2015. Collection method: clinical testing. Allele origin: germline.
Comment: This missense variant replaces lysine with glutamic acid at codon 90 of the APC protein. Computational prediction suggests that this variant may not impact protein structure and function (internally defined REVEL score threshold <= 0.5, PMID: 27666373). To our knowledge, functional studies have not been reported for this variant. This variant has not been reported in individuals affected with APC-related disorders in the literature. This variant has been identified in 3/251474 chromosomes in the general population by the Genome Aggregation Database (gnomAD). The available evidence is insufficient to determine the role of this variant in disease conclusively. Therefore, this variant is classified as a Variant of Uncertain Significance.

Baylor Genetics
Classification: Uncertain significance for Familial adenomatous polyposis 1. Last evaluated: 2023-09-29. Review status: criteria provided, single submitter. Criteria: ACMG Guidelines, 2015. Collection method: clinical testing. Allele origin: unknown.

GeneDx
Classification: Uncertain significance. Last evaluated: 2022-11-25. Review status: criteria provided, single submitter. Criteria: GeneDx Variant Classification Process June 2021. Collection method: clinical testing. Allele origin: germline. Affected: yes.
Comment: Not observed at a significant frequency in large population cohorts (gnomAD); In silico analysis supports that this missense variant does not alter protein structure/function; Has not been previously published as pathogenic or benign to our knowledge

Mayo Clinic Laboratories, Mayo Clinic
Classification: Uncertain significance. Review status: no assertion criteria provided. Collection method: research. Allele origin: unknown. Observed: 1 variant allele. Not counted in ClinVar's aggregate classification.

Literature cited by the submitters: PubMed 34250417 (cited by Labcorp Genetics (formerly Invitae), Labcorp and Women's Health and Genetics/Laboratory Corporation of America, LabCorp).